The following is an entry in ClinVar:

NM_001271938.2(MEGF8):c.6301C>G (p.Arg2101Gly)

Gene: MEGF8 (multiple EGF like domains 8; plus strand). Cytogenetic location: 19q13.2.
Variant type: single nucleotide variant.
Coding change: c.6301C>G on transcript NM_001271938.2 (MANE Select); coding-DNA position 6301, C replaced by G.
Protein change: p.Arg2101Gly; replaces arginine 2101 with glycine.
Molecular consequence: missense variant.
Genome position (GRCh38, 1-based): chr19:42,368,482, C>G. VCF-style: chr19-42368482-C-G. GRCh37 (hg19) VCF-style: chr19-42872634-C-G.
Other names: c.6100C>G, p.Arg2034Gly (NM_001410.3); short protein forms R2034G, R2101G.
Identifiers: ClinVar variation 1472531 (VCV001472531.6), dbSNP rs2147506322, ClinGen allele CA406133038.

ClinVar aggregate classification (germline): Uncertain significance (1 of 4 stars; one submission).

Conditions:
MEGF8-related Carpenter syndrome. Also called: Carpenter syndrome 2. Identifiers: Orphanet 65759, MedGen C3554247, MONDO:0013998, OMIM 614976.

gnomAD v4.1: 1 of 1,609,564 alleles (0.000062%); highest among the groups gnomAD compares: Non-Finnish European, 0.000085%; no homozygotes.

Submission:

Labcorp Genetics (formerly Invitae), Labcorp
Classification: Uncertain significance for MEGF8-related Carpenter syndrome. Last evaluated: 2025-03-10. Review status: criteria provided, single submitter. Criteria: Invitae Variant Classification Sherloc (09022015). Collection method: clinical testing. Allele origin: germline.
Comment: This sequence change replaces arginine, which is basic and polar, with glycine, which is neutral and non-polar, at codon 2034 of the MEGF8 protein (p.Arg2034Gly). This variant is not present in population databases (gnomAD no frequency). This variant has not been reported in the literature in individuals affected with MEGF8-related conditions. ClinVar contains an entry for this variant (Variation ID: 1472531). An algorithm developed to predict the effect of missense changes on protein structure and function (PolyPhen-2) suggests that this variant is likely to be disruptive. In summary, the available evidence is currently insufficient to determine the role of this variant in disease. Therefore, it has been classified as a Variant of Uncertain Significance.